The following is an entry in ClinVar:

NM_033380.3(COL4A5):c.2992C>T (p.Gln998Ter)

Gene: COL4A5 (collagen type IV alpha 5 chain; plus strand). Cytogenetic location: Xq22.3.
Variant type: single nucleotide variant.
Coding change: c.2992C>T on transcript NM_033380.3 (MANE Select); coding-DNA position 2992, C replaced by T.
Protein change: p.Gln998Ter; replaces glutamine 998 with a stop codon.
Molecular consequence: nonsense.
Genome position (GRCh38, 1-based): chrX:108,624,310, C>T. VCF-style: chrX-108624310-C-T. GRCh37 (hg19) VCF-style: chrX-107867540-C-T.
Other names: c.2992C>T, p.Gln998Ter (NM_000495.5); short protein forms Q998*.
Identifiers: ClinVar variation 983901 (VCV000983901.3), dbSNP rs756070988, ClinGen allele CA413853572.
Genomic context (GRCh38, chrX:108,624,310, plus strand): 5'-TCAGGGCCAAAAGGTTATCAGGGTTTGCCTGGAGACCCAGGGCAACCTGGACTGAGTGGA[C>T]AACCTGGATTACCAGGACCACCAGGTAAGTGTGATAGGCCATTTGTAGCAATTGCTTAGC-3'

ClinVar aggregate classification (germline): Likely pathogenic (1 of 4 stars; one submission).

Conditions:
X-linked Alport syndrome (ATS1). Also called: NEPHROPATHY AND DEAFNESS, X-LINKED; COL4A5-Related Nephropathy. Identifiers: Orphanet 63, Orphanet 88917, MedGen C4746986, MONDO:0010520, OMIM 301050.

Submission:

Myriad Genetics, Inc.
Classification: Likely pathogenic for X-linked Alport syndrome. Last evaluated: 2019-01-31. Review status: criteria provided, single submitter. Criteria: Myriad Women's Health Autosomal Recessive and X-Linked Classification Criteria (2019). Collection method: clinical testing. Allele origin: unknown.
Comment: NM_000495.4(COL4A5):c.2992C>T(Q998*) is expected to be pathogenic in the context of X-linked Alport syndrome. This variant is predicted to lead to an abnormal or absent protein product due to the creation of a premature termination codon in COL4A5, a gene where loss-of-function variants are known to be pathogenic. Please note: this variant was assessed in the context of healthy population screening.